The following is an entry in ClinVar:

NM_000260.4(MYO7A):c.4837G>A (p.Asp1613Asn)

Gene: MYO7A (myosin VIIA; plus strand). Cytogenetic location: 11q13.5.
Variant type: single nucleotide variant.
Coding change: c.4837G>A on transcript NM_000260.4 (MANE Select); coding-DNA position 4837, G replaced by A.
Protein change: p.Asp1613Asn; replaces aspartic acid 1613 with asparagine.
Molecular consequence: missense variant.
Genome position (GRCh38, 1-based): chr11:77,199,803, G>A. VCF-style: chr11-77199803-G-A. GRCh37 (hg19) VCF-style: chr11-76910848-G-A.
Other names: c.4723G>A, p.Asp1575Asn (NM_001127180.2); c.4690G>A, p.Asp1564Asn (NM_001369365.1); short protein forms D1564N, D1575N, D1613N.
Identifiers: ClinVar variation 1493566 (VCV001493566.6), dbSNP rs2135681823, ClinGen allele CA381951033.
Genomic context (GRCh38, chr11:77,199,803, plus strand): 5'-CTGGTGGTCACCTTCCTAGAGGGGCTCCGGAAGAGATCTAAGTATGTTGTGGCCCTGCAG[G>A]ATAACCCCAACCCCGGTGAGTGGCTGCTGGTATGGACTGCCTGGCACTGGGGGTCAGGGT-3'
Protein context (NP_000251.3, residues 1603-1623): KRSKYVVALQ[Asp1613Asn]NPNPAGEESG

ClinVar aggregate classification (germline): Uncertain significance (1 of 4 stars; one submission).

Allele frequency attached by ClinVar (database versions not stated): gnomAD exomes below 0.00001.

Submission:

Labcorp Genetics (formerly Invitae), Labcorp
Classification: Uncertain significance. Last evaluated: 2025-09-02. Review status: criteria provided, single submitter. Criteria: Invitae Variant Classification Sherloc (09022015). Collection method: clinical testing. Allele origin: germline.
Comment: This sequence change replaces aspartic acid, which is acidic and polar, with asparagine, which is neutral and polar, at codon 1613 of the MYO7A protein (p.Asp1613Asn). This variant is not present in population databases (gnomAD no frequency). This variant has not been reported in the literature in individuals affected with MYO7A-related conditions. ClinVar contains an entry for this variant (Variation ID: 1493566). Invitae Evidence Modeling of protein sequence and biophysical properties (such as structural, functional, and spatial information, amino acid conservation, physicochemical variation, residue mobility, and thermodynamic stability) indicates that this missense variant is not expected to disrupt MYO7A protein function with a negative predictive value of 95%. In summary, the available evidence is currently insufficient to determine the role of this variant in disease. Therefore, it has been classified as a Variant of Uncertain Significance.